The following is an entry in ClinVar:

ClinVar aggregate classification (germline): Uncertain significance. Review status: criteria provided, multiple submitters, no conflicts (2 of 4 stars). 4 submissions from 4 submitters: Uncertain significance (4). Last evaluated 2024-09-30.

Conditions:
Inborn genetic diseases. Identifiers: MedGen C0950123, MeSH D030342.

Allele frequency attached by ClinVar (database versions not stated): gnomAD exomes 0.00005; gnomAD 0.00007; TOPMed 0.00009; ExAC 0.00012.

Submissions (4):

Blueprint Genetics
Classification: Uncertain significance. Last evaluated: 2024-09-30. Review status: criteria provided, single submitter. Criteria: ACMG Guidelines, 2015. Collection method: clinical testing. Allele origin: germline.

Mayo Clinic Laboratories, Mayo Clinic
Classification: Uncertain significance. Last evaluated: 2024-07-10. Review status: criteria provided, single submitter. Criteria: ACMG Guidelines, 2015. Collection method: clinical testing. Allele origin: germline. Observed: 1 variant allele.
Comment: PM1_supporting, PM2

Ambry Genetics
Classification: Uncertain significance for Inborn genetic diseases. Last evaluated: 2024-06-17. Review status: criteria provided, single submitter. Criteria: Ambry Variant Classification Scheme 2023. Collection method: clinical testing. Allele origin: germline.

Labcorp Genetics (formerly Invitae), Labcorp
Classification: Uncertain significance. Last evaluated: 2022-04-20. Review status: criteria provided, single submitter. Criteria: Invitae Variant Classification Sherloc (09022015). Collection method: clinical testing. Allele origin: germline.
Comment: This sequence change replaces glycine, which is neutral and non-polar, with serine, which is neutral and polar, at codon 129 of the GP9 protein (p.Gly129Ser). This variant is present in population databases (rs776687574, gnomAD 0.02%). This variant has not been reported in the literature in individuals affected with GP9-related conditions. Algorithms developed to predict the effect of missense changes on protein structure and function are either unavailable or do not agree on the potential impact of this missense change (SIFT: "Tolerated"; PolyPhen-2: "Probably Damaging"; Align-GVGD: "Class C0"). In summary, the available evidence is currently insufficient to determine the role of this variant in disease. Therefore, it has been classified as a Variant of Uncertain Significance.

NM_000174.5(GP9):c.385G>A (p.Gly129Ser)

Gene: GP9 (glycoprotein IX platelet; plus strand). Cytogenetic location: 3q21.3.
Variant type: single nucleotide variant.
Coding change: c.385G>A on transcript NM_000174.5 (MANE Select); coding-DNA position 385, G replaced by A.
Protein change: p.Gly129Ser; replaces glycine 129 with serine.
Molecular consequence: missense variant.
Genome position (GRCh38, 1-based): chr3:129,062,124, G>A. VCF-style: chr3-129062124-G-A. GRCh37 (hg19) VCF-style: chr3-128780967-G-A.
Other names: p.Gly129Ser; c.385G>A (NM_000174.3); short protein forms G129S.
Identifiers: ClinVar variation 2151467 (VCV002151467.4), dbSNP rs776687574, ClinGen allele CA2602707.
Genomic context (GRCh38, chr3:129,062,124, plus strand): 5'-CTGCAGGTCCGCTGTGCCAGCCCCAGCCTCGCTGCCCATGGCCCGCTGGGCCGGCTGACA[G>A]GCTACCAGCTGGGCAGCTGTGGCTGGCAGCTGCAGGCGTCCTGGGTGCGCCCGGGGGTCT-3'
Protein context (NP_000165.1, residues 119-139): AAHGPLGRLT[Gly129Ser]YQLGSCGWQL